The following is an entry in ClinVar:

ClinVar aggregate classification (germline): Uncertain significance (1 of 4 stars; one submission).

Conditions:
Holoprosencephaly 9 (HPE9). Also called: PITUITARY ANOMALIES WITH HOLOPROSENCEPHALY-LIKE FEATURES; HOLOPROSENCEPHALY WITH MICROPHTHALMIA AND FIRST BRANCHIAL ARCH ANOMALIES. Identifiers: Orphanet 2162, MedGen C1835819, MONDO:0012563, OMIM 610829.
Postaxial polydactyly-anterior pituitary anomalies-facial dysmorphism syndrome. Also called: Culler-Jones syndrome. Identifiers: Orphanet 420584, MedGen C4014479, MONDO:0014369, OMIM 615849.

Allele frequency attached by ClinVar (database versions not stated): TOPMed below 0.00001; ExAC 0.00001; gnomAD 0.00001.
gnomAD v4.1: 4 of 1,612,962 alleles (0.00025%); highest among the groups gnomAD compares: Admixed American, 0.0067%; no homozygotes.

Submission:

Labcorp Genetics (formerly Invitae), Labcorp
Classification: Uncertain significance for Postaxial polydactyly-anterior pituitary anomalies-facial dysmorphism syndrome; Holoprosencephaly 9. Last evaluated: 2025-05-18. Review status: criteria provided, single submitter. Criteria: Invitae Variant Classification Sherloc (09022015). Collection method: clinical testing. Allele origin: germline.
Comment: This sequence change replaces valine, which is neutral and non-polar, with leucine, which is neutral and non-polar, at codon 1173 of the GLI2 protein (p.Val1173Leu). This variant is present in population databases (rs761198680, gnomAD 0.01%). This variant has not been reported in the literature in individuals affected with GLI2-related conditions. ClinVar contains an entry for this variant (Variation ID: 2153941). Invitae Evidence Modeling of protein sequence and biophysical properties (such as structural, functional, and spatial information, amino acid conservation, physicochemical variation, residue mobility, and thermodynamic stability) indicates that this missense variant is not expected to disrupt GLI2 protein function with a negative predictive value of 80%. In summary, the available evidence is currently insufficient to determine the role of this variant in disease. Therefore, it has been classified as a Variant of Uncertain Significance.

NM_001374353.1(GLI2):c.3466G>T (p.Val1156Leu)

Gene: GLI2 (GLI family zinc finger 2; plus strand). Cytogenetic location: 2q14.2.
Variant type: single nucleotide variant.
Coding change: c.3466G>T on transcript NM_001374353.1 (MANE Select); coding-DNA position 3466, G replaced by T.
Protein change: p.Val1156Leu; replaces valine 1156 with leucine.
Molecular consequence: missense variant.
Genome position (GRCh38, 1-based): chr2:120,989,431, G>T. VCF-style: chr2-120989431-G-T. GRCh37 (hg19) VCF-style: chr2-121747007-G-T.
Other names: c.3517G>T, p.Val1173Leu (NM_001371271.1, NM_005270.5); c.3091G>T, p.Val1031Leu (NM_001374354.1); short protein forms V1156L, V1173L, V1031L.
Identifiers: ClinVar variation 2153941 (VCV002153941.4), dbSNP rs761198680, ClinGen allele CA1852409.